The following is an entry in ClinVar:

NM_007194.4(CHEK2):c.1432G>T (p.Glu478Ter)

Gene: CHEK2 (checkpoint kinase 2; minus strand). Cytogenetic location: 22q12.1.
Variant type: single nucleotide variant.
Coding change: c.1432G>T on transcript NM_007194.4 (MANE Select); coding-DNA position 1432, G replaced by T.
Protein change: p.Glu478Ter; replaces glutamic acid 478 with a stop codon.
Molecular consequence: nonsense.
Genome position (GRCh38, 1-based): chr22:28,694,061, C>A on the plus strand (G>T on the coding strand, the complement: CHEK2 is on the minus strand). VCF-style: chr22-28694061-C-A. GRCh37 (hg19) VCF-style: chr22-29090049-C-A.
Other names: c.1561G>T, p.Glu521Ter (NM_001005735.3); c.769G>T, p.Glu257Ter (NM_001257387.3); c.1231G>T, p.Glu411Ter (NM_001349956.3); c.1345G>T, p.Glu449Ter (NM_145862.3); short protein forms E257*, E411*, E449*, E478*, E521*.
Identifiers: ClinVar variation 1071801 (VCV001071801.9), dbSNP rs2145784977, ClinGen allele CA411094188.
Genomic context (GRCh38, chr22:28,694,061, plus strand): 5'-TTTATGCTAGCAGGCACTGTCCCACACCCACCTGAAGCCACGGGTGTCTTAAGGCTTCTT[C>A]TGTCGTAAAACGTGCCTTTGGATCCACTACCAACAACTTCTTGACAAGGTCCAGAGCTAA-3'

ClinVar aggregate classification (germline): Pathogenic. Review status: criteria provided, multiple submitters, no conflicts (2 of 4 stars). 2 submissions from 2 submitters: Pathogenic (2). Last evaluated 2023-06-28.

Conditions:
Familial cancer of breast. Also called: Hereditary breast cancer; hereditary breast carcinoma; BREAST CANCER, FAMILIAL. Identifiers: Orphanet 227535, MedGen C0346153, MONDO:0016419, OMIM 114480. Disease mechanism: loss of function.

gnomAD v4.1: 1 of 1,596,188 alleles (0.000063%); no homozygotes.

Submissions (2):

Myriad Genetics, Inc.
Classification: Pathogenic for Familial cancer of breast. Last evaluated: 2023-06-28. Review status: criteria provided, single submitter. Criteria: Myriad Autosomal Dominant, Autosomal Recessive and X-Linked Classification Criteria (2023). Collection method: clinical testing. Allele origin: unknown.
Comment: This variant is considered pathogenic. This variant creates a termination codon and is predicted to result in premature protein truncation.

Labcorp Genetics (formerly Invitae), Labcorp
Classification: Pathogenic for Familial cancer of breast. Last evaluated: 2020-06-01. Review status: criteria provided, single submitter. Criteria: Invitae Variant Classification Sherloc (09022015). Collection method: clinical testing. Allele origin: germline.
Comment: For these reasons, this variant has been classified as Pathogenic. Loss-of-function variants in CHEK2 are known to be pathogenic (PMID: 21876083, 24713400). This variant has not been reported in the literature in individuals with CHEK2-related conditions. This variant is not present in population databases (ExAC no frequency). This sequence change creates a premature translational stop signal (p.Glu478*) in the CHEK2 gene. It is expected to result in an absent or disrupted protein product.

Literature cited by the submitters: PubMed 21876083 (cited by Labcorp Genetics (formerly Invitae), Labcorp); PubMed 24713400 (cited by Labcorp Genetics (formerly Invitae), Labcorp).